The following is an entry in ClinVar:

ClinVar aggregate classification (germline): Likely benign (1 of 4 stars; one submission).

Conditions:
Hereditary cancer-predisposing syndrome. Also called: Hereditary neoplastic syndrome; Neoplastic Syndromes, Hereditary; Tumor predisposition; Hereditary Cancer Syndrome. Identifiers: Orphanet 140162, MedGen C0027672, MeSH D009386, MONDO:0015356.

Submission:

Spanish MMR Variant Interpretation Working Group
Classification: Likely benign for Hereditary cancer-predisposing syndrome. Last evaluated: 2025-05-05. Review status: criteria provided, single submitter. Criteria: ClinGen CRC ACMG Specifications PMS2 V1.0.0. Collection method: clinical testing. Allele origin: germline. Affected: yes.
Comment: The PMS2 variant c.803+14T>G is an intronic variant located 14 base pairs into intron 7 in the PMS2 gene (BP7). This variant is absent from the gnomAD v4.1.0 database (PM2_P). This variant is not predicted to affect splicing according to MaxEntScan, NNSplice, and SpliceAI algorithms (BP4). There are no other described variants classified as Class 4/5 by InSiGHT located at the same position. To our current knowledge, no functional assays have been reported for this variant. Based on the available evidence, this variant is classified as Likely benign (Class 2).

NM_000535.7(PMS2):c.803+14T>G

Gene: PMS2 (PMS1 homolog 2, mismatch repair system component; minus strand). Cytogenetic location: 7p22.1.
Variant type: single nucleotide variant.
Coding change: c.803+14T>G on transcript NM_000535.7 (MANE Select); 14 bases into the intron after coding-DNA position 803, T replaced by G.
Molecular consequence: intron variant.
Genome position (GRCh38, 1-based): chr7:5,997,312, A>C on the plus strand (T>G on the coding strand, the complement: PMS2 is on the minus strand). VCF-style: chr7-5997312-A-C. GRCh37 (hg19) VCF-style: chr7-6036943-A-C.
Other names: c.485+14T>G (NM_001322008.2, NM_001406902.1, NM_001406883.1 and 4 more transcripts); c.494+14T>G (NM_001406881.1, NM_001406879.1, NM_001322015.2 and 6 more transcripts); c.398+14T>G (NM_001406895.1, NM_001322010.2, NM_001322004.2 and 19 more transcripts); c.132+5141T>G (NM_001406911.1); c.290+14T>G (NM_001406904.1, NM_001406905.1); c.230+14T>G (NM_001322013.2, NM_001406909.1); c.-131+14T>G (NM_001322012.2, NM_001322011.2); c.467+14T>G (NM_001406885.1); and 7 more.
Identifiers: ClinVar variation 4074755 (VCV004074755.1).